The following is an entry in ClinVar:

NM_152906.7(TANGO2):c.439G>A (p.Val147Ile)

Gene: TANGO2 (transport and golgi organization 2 homolog; plus strand). Cytogenetic location: 22q11.21.
Variant type: single nucleotide variant.
Coding change: c.439G>A on transcript NM_152906.7 (MANE Select); coding-DNA position 439, G replaced by A.
Protein change: p.Val147Ile; replaces valine 147 with isoleucine.
Molecular consequence: missense variant. On other transcripts: non-coding transcript variant (4), intron variant (11).
Genome position (GRCh38, 1-based): chr22:20,056,001, G>A. VCF-style: chr22-20056001-G-A. GRCh37 (hg19) VCF-style: chr22-20043524-G-A.
Other names: c.337G>A, p.Val113Ile (NM_001322146.2, NM_001322148.2, NM_001322160.2); c.145G>A, p.Val49Ile (NM_001322150.2, NM_001322153.2, NM_001322155.2 and 6 more transcripts); c.265+3417G>A (NM_001322163.2, NM_001283179.3, NM_001322167.2 and 4 more transcripts); c.388+3417G>A (NM_001322145.2, NM_001322147.2); c.380+2450G>A (NM_001283199.3); c.503+2450G>A (NM_001322149.2); c.439G>A (NM_152906.4); c.439G>A, p.Val147Ile (NM_001283106.3, NM_001283116.3, NM_001283148.3 and 2 more transcripts); and 1 more; short protein forms V147I, V49I, V188I, V113I.
Identifiers: ClinVar variation 1434241 (VCV001434241.6), dbSNP rs750710547, ClinGen allele CA10106359.

ClinVar aggregate classification (germline): Uncertain significance. Review status: criteria provided, multiple submitters, no conflicts (2 of 4 stars). 2 submissions from 2 submitters: Uncertain significance (2). Last evaluated 2025-09-26.

Conditions:
Inborn genetic diseases. Identifiers: MedGen C0950123, MeSH D030342.

Allele frequency attached by ClinVar (database versions not stated): TOPMed 0.00003; gnomAD 0.00003; gnomAD exomes 0.00003; ExAC 0.00004.
gnomAD v4.1: 47 of 1,613,948 alleles (0.0029%); highest among the groups gnomAD compares: Non-Finnish European, 0.0036%; no homozygotes.

Submissions (2):

Ambry Genetics
Classification: Uncertain significance for Inborn genetic diseases. Last evaluated: 2025-09-26. Review status: criteria provided, single submitter. Criteria: Ambry Variant Classification Scheme 2023. Collection method: clinical testing. Allele origin: germline.

Labcorp Genetics (formerly Invitae), Labcorp
Classification: Uncertain significance. Last evaluated: 2022-08-16. Review status: criteria provided, single submitter. Criteria: Invitae Variant Classification Sherloc (09022015). Collection method: clinical testing. Allele origin: germline.
Comment: This sequence change replaces valine, which is neutral and non-polar, with isoleucine, which is neutral and non-polar, at codon 147 of the TANGO2 protein (p.Val147Ile). This variant is present in population databases (rs750710547, gnomAD 0.006%). This variant has not been reported in the literature in individuals affected with TANGO2-related conditions. ClinVar contains an entry for this variant (Variation ID: 1434241). Algorithms developed to predict the effect of missense changes on protein structure and function are either unavailable or do not agree on the potential impact of this missense change (SIFT: "Not Available"; PolyPhen-2: "Benign"; Align-GVGD: "Not Available"). In summary, the available evidence is currently insufficient to determine the role of this variant in disease. Therefore, it has been classified as a Variant of Uncertain Significance.